The following is an entry in ClinVar:

ClinVar aggregate classification (germline): Uncertain significance (1 of 4 stars; one submission).

Submission:

Ambry Genetics
Classification: Uncertain significance. Last evaluated: 2022-07-15. Review status: criteria provided, single submitter. Criteria: Ambry Variant Classification Scheme 2023. Collection method: clinical testing. Allele origin: germline.
Comment: The p.S3233R variant (also known as c.9699T>G), located in coding exon 69 of the PRKDC gene, results from a T to G substitution at nucleotide position 9699. The serine at codon 3233 is replaced by arginine, an amino acid with dissimilar properties. This amino acid position is conserved. In addition, the in silico prediction for this alteration is inconclusive. Since supporting evidence is limited at this time, the clinical significance of this alteration remains unclear.

NM_006904.7(PRKDC):c.9699T>G (p.Ser3233Arg)

Gene: PRKDC (protein kinase, DNA-activated, catalytic subunit; minus strand). Cytogenetic location: 8q11.21.
Variant type: single nucleotide variant.
Coding change: c.9699T>G on transcript NM_006904.7 (MANE Select); coding-DNA position 9699, T replaced by G.
Protein change: p.Ser3233Arg; replaces serine 3233 with arginine.
Molecular consequence: missense variant.
Genome position (GRCh38, 1-based): chr8:47,807,185, A>C on the plus strand (T>G on the coding strand, the complement: PRKDC is on the minus strand). VCF-style: chr8-47807185-A-C. GRCh37 (hg19) VCF-style: chr8-48719746-A-C.
Other names: c.9699T>G, p.Ser3233Arg (NM_001081640.2); short protein forms S3233R.
Identifiers: ClinVar variation 1767819 (VCV001767819.2), dbSNP rs2551863803, ClinGen allele CA371137281.